The following is an entry in ClinVar:

ClinVar aggregate classification (germline): Conflicting classifications of pathogenicity. Review status: criteria provided, conflicting classifications (1 of 4 stars). 2 submissions from 2 submitters: Uncertain significance (1); Likely benign (1). Last evaluated 2024-09-20.

Conditions:
Palatal anomalies-widely spaced teeth-facial dysmorphism-developmental delay syndrome. Also called: Cleft palate, psychomotor retardation, and distinctive facial features. Identifiers: Orphanet 477993, MedGen C4225229, MONDO:0014751, OMIM 616728.

Allele frequency attached by ClinVar (database versions not stated): TOPMed below 0.00001.

Submissions (2):

3billion
Classification: Likely benign for Palatal anomalies-widely spaced teeth-facial dysmorphism-developmental delay syndrome. Last evaluated: 2024-09-20. Review status: criteria provided, single submitter. Criteria: ACMG Guidelines, 2015. Collection method: clinical testing. Allele origin: germline. Affected: no.
Comment: The variant was identified in at least one patient who was diagnosed with a different variant in another gene and showed no symptoms related to the gene containing the variant in question.

Labcorp Genetics (formerly Invitae), Labcorp
Classification: Uncertain significance. Last evaluated: 2023-01-31. Review status: criteria provided, single submitter. Criteria: Invitae Variant Classification Sherloc (09022015). Collection method: clinical testing. Allele origin: germline.
Comment: This sequence change replaces alanine, which is neutral and non-polar, with valine, which is neutral and non-polar, at codon 54 of the KDM1A protein (p.Ala54Val). In summary, the available evidence is currently insufficient to determine the role of this variant in disease. Therefore, it has been classified as a Variant of Uncertain Significance. Algorithms developed to predict the effect of missense changes on protein structure and function output the following: SIFT: "Tolerated"; PolyPhen-2: "Benign"; Align-GVGD: "Class C0". The valine amino acid residue is found in multiple mammalian species, which suggests that this missense change does not adversely affect protein function. This variant has not been reported in the literature in individuals affected with KDM1A-related conditions. This variant is not present in population databases (gnomAD no frequency).

NM_001009999.3(KDM1A):c.161C>T (p.Ala54Val)

Gene: KDM1A (lysine demethylase 1A; plus strand). Cytogenetic location: 1p36.12.
Variant type: single nucleotide variant.
Coding change: c.161C>T on transcript NM_001009999.3 (MANE Select); coding-DNA position 161, C replaced by T.
Protein change: p.Ala54Val; replaces alanine 54 with valine.
Molecular consequence: missense variant.
Genome position (GRCh38, 1-based): chr1:23,019,757, C>T. VCF-style: chr1-23019757-C-T. GRCh37 (hg19) VCF-style: chr1-23346250-C-T.
Other names: c.161C>T, p.Ala54Val (NM_001363654.2, NM_001410762.1, NM_001410763.1 and 1 more transcripts); short protein forms A54V.
Identifiers: ClinVar variation 2784036 (VCV002784036.4), dbSNP rs1453222016, ClinGen allele CA338951109.